The following is an entry in ClinVar:

ClinVar aggregate classification (germline): Uncertain significance (1 of 4 stars; one submission).

gnomAD v4.1: 1 of 1,613,392 alleles (0.000062%); highest among the groups gnomAD compares: Non-Finnish European, 0.000085%; no homozygotes.

Submission:

Labcorp Genetics (formerly Invitae), Labcorp
Classification: Uncertain significance. Last evaluated: 2023-08-31. Review status: criteria provided, single submitter. Criteria: Invitae Variant Classification Sherloc (09022015). Collection method: clinical testing. Allele origin: germline.
Comment: This sequence change replaces serine, which is neutral and polar, with leucine, which is neutral and non-polar, at codon 293 of the TNNI3K protein (p.Ser293Leu). Advanced modeling of protein sequence and biophysical properties (such as structural, functional, and spatial information, amino acid conservation, physicochemical variation, residue mobility, and thermodynamic stability) performed at Invitae indicates that this missense variant is not expected to disrupt TNNI3K protein function. In summary, the available evidence is currently insufficient to determine the role of this variant in disease. Therefore, it has been classified as a Variant of Uncertain Significance. This variant has not been reported in the literature in individuals affected with TNNI3K-related conditions. This variant is not present in population databases (gnomAD no frequency).

NM_015978.3(TNNI3K):c.878C>T (p.Ser293Leu)

Genes: FPGT-TNNI3K (FPGT-TNNI3K readthrough; plus strand), TNNI3K (TNNI3 interacting kinase; plus strand). Cytogenetic location: 1p31.1.
Variant type: single nucleotide variant.
Coding change: c.878C>T on transcript NM_015978.3 (MANE Select); coding-DNA position 878, C replaced by T.
Protein change: p.Ser293Leu; replaces serine 293 with leucine.
Molecular consequence: missense variant.
Genome position (GRCh38, 1-based): chr1:74,343,125, C>T. VCF-style: chr1-74343125-C-T. GRCh37 (hg19) VCF-style: chr1-74808809-C-T.
Other names: c.1181C>T, p.Ser394Leu (NM_001112808.3, NM_001199327.2); short protein forms S394L, S293L.
Identifiers: ClinVar variation 2956047 (VCV002956047.3), dbSNP rs770585050, ClinGen allele CA24525125.
Genomic context (GRCh38, chr1:74,343,125, plus strand): 5'-TCAAATCTAGGGCATGCTACAATGGCAAATTTGAAGTTGCCAAGGAAATCATCCAAATAT[C>T]AGGAACAGAAAGTCTGACTAAGGAAAACATCTTCAGTGAAACAGCTTTTCATAGGTAAAA-3'
Protein context (NP_057062.1, residues 283-303): FEVAKEIIQI[Ser293Leu]GTESLTKENI